The following is an entry in ClinVar:

ClinVar aggregate classification (germline): Uncertain significance (1 of 4 stars; one submission).

Conditions:
ESPN-related disorder. Also called: ESPN-related condition.

gnomAD v4.1: 19 of 1,614,084 alleles (0.0012%); highest among the groups gnomAD compares: African/African-American, 0.015%; no homozygotes.

Submission:

PreventionGenetics, part of Exact Sciences
Classification: Uncertain significance for ESPN-related condition. Last evaluated: 2026-09-11. Review status: criteria provided, single submitter. Criteria: ACMG Guidelines, 2015. Collection method: clinical testing. Allele origin: germline.
Comment: The ESPN c.1006G>A variant is predicted to result in the amino acid substitution p.Val336Met. To our knowledge, this variant has not been reported in the literature. This variant is reported in 0.020% of alleles in individuals of African descent in gnomAD. At this time, the clinical significance of this variant is uncertain due to the absence of conclusive functional and genetic evidence.

NM_031475.3(ESPN):c.1006G>A (p.Val336Met)

Gene: ESPN (espin; plus strand). Cytogenetic location: 1p36.31.
Variant type: single nucleotide variant.
Coding change: c.1006G>A on transcript NM_031475.3 (MANE Select); coding-DNA position 1006, G replaced by A.
Protein change: p.Val336Met; replaces valine 336 with methionine.
Molecular consequence: missense variant.
Genome position (GRCh38, 1-based): chr1:6,444,496, G>A. VCF-style: chr1-6444496-G-A. GRCh37 (hg19) VCF-style: chr1-6504556-G-A.
Other names: c.1006G>A, p.Val336Met (NM_001367473.1, NM_001367474.1); short protein forms V336M.
Identifiers: ClinVar variation 4989014 (VCV004989014.1).
Genomic context (GRCh38, chr1:6,444,496, plus strand): 5'-TCTTGGGGTATGGTTGTCTTCATGGCCTCCCTGCCTCCCCTTCAGAGCGTGGAGCACCGC[G>A]TGCTTTCCCGGGATCCATCCGCAGAGCTGGAGGCTAAGCAGCCGGATTCAGGCATGTCCT-3'
Protein context (NP_113663.2, residues 326-346): TVENLSVEHR[Val336Met]LSRDPSAELE